The following is an entry in ClinVar:

NM_001032283.3(TMPO):c.115C>T (p.Gln39Ter)

Genes: TMPO (thymopoietin; plus strand), TMPO-AS1 (TMPO antisense RNA 1; minus strand). Cytogenetic location: 12q23.1.
Variant type: single nucleotide variant.
Coding change: c.115C>T on transcript NM_001032283.3 (MANE Select); coding-DNA position 115, C replaced by T.
Protein change: p.Gln39Ter; replaces glutamine 39 with a stop codon.
Molecular consequence: nonsense.
Genome position (GRCh38, 1-based): chr12:98,515,982, C>T. VCF-style: chr12-98515982-C-T. GRCh37 (hg19) VCF-style: chr12-98909760-C-T.
Other names: c.115C>T, p.Gln39Ter (NM_001032284.3, NM_001307975.2, NM_003276.2); short protein forms Q39*.
Identifiers: ClinVar variation 450721 (VCV000450721.2), dbSNP rs1555201577, ClinGen allele CA386239474.
Genomic context (GRCh38, chr12:98,515,982, plus strand): 5'-GAGTTGGTCGCCAACAATGTGACGCTGCCGGCCGGGGAGCAGCGCAAAGACGTGTACGTC[C>T]AGCTCTACCTGCAGCACCTCACGGCTCGCAACCGGCCGCCGCTCCCCGCCGGCACCAACA-3'

ClinVar aggregate classification (germline): Uncertain significance (1 of 4 stars; one submission).

Allele frequency attached by ClinVar (database versions not stated): gnomAD exomes below 0.00001.

Submission:

GeneDx
Classification: Uncertain significance. Last evaluated: 2017-07-19. Review status: criteria provided, single submitter. Criteria: GeneDx Variant Classification (06012015). Collection method: clinical testing. Allele origin: germline. Affected: yes.
Comment: The Q39X variant of uncertain significance in the TMPO gene has not been reported as a pathogenic or benign to our knowledge. This variant is not observed in large population cohorts (Lek et al., 2016; 1000 Genomes Consortium et al., 2015; Exome Variant Server). Q39X is predicted to cause loss of normal protein function either by protein truncation or nonsense-mediated mRNA decay. Nevertheless, no other nonsense variants in the TMPO gene have been reported in Human Gene Mutation Database in association with cardiomyopathy (Stenson et al., 2014), indicating that haploinsufficiency of TMPO may not be sufficient to cause disease. Thus, in the absence of functional mRNA studies, the physiological consequence of this variant cannot be precisely determined. Therefore, based on the currently available information, it is unclear whether this variant is pathogenic or rare benign.